The following is an entry in ClinVar:

ClinVar aggregate classification (germline): Uncertain significance (1 of 4 stars; one submission).

Allele frequency attached by ClinVar (database versions not stated): gnomAD exomes below 0.00001; ExAC 0.00001.
gnomAD v4.1: 7 of 1,610,132 alleles (0.00043%); highest among the groups gnomAD compares: Non-Finnish European, 0.00042%; no homozygotes.

Submission:

Labcorp Genetics (formerly Invitae), Labcorp
Classification: Uncertain significance. Last evaluated: 2021-04-16. Review status: criteria provided, single submitter. Criteria: Invitae Variant Classification Sherloc (09022015). Collection method: clinical testing. Allele origin: germline.
Comment: In summary, the available evidence is currently insufficient to determine the role of this variant in disease. Therefore, it has been classified as a Variant of Uncertain Significance. Algorithms developed to predict the effect of sequence changes on RNA splicing suggest that this variant may create or strengthen a splice site, but this prediction has not been confirmed by published transcriptional studies. Algorithms developed to predict the effect of missense changes on protein structure and function are either unavailable or do not agree on the potential impact of this missense change (SIFT: "Tolerated"; PolyPhen-2: "Possibly Damaging"; Align-GVGD: "Class C0"). This variant has not been reported in the literature in individuals with POLE2-related conditions. This variant is present in population databases (rs778324639, ExAC 0.002%). This sequence change replaces isoleucine with valine at codon 89 of the POLE2 protein (p.Ile89Val). The isoleucine residue is moderately conserved and there is a small physicochemical difference between isoleucine and valine.

NM_002692.4(POLE2):c.265A>G (p.Ile89Val)

Gene: POLE2 (DNA polymerase epsilon 2, accessory subunit; minus strand). Cytogenetic location: 14q21.3.
Variant type: single nucleotide variant.
Coding change: c.265A>G on transcript NM_002692.4 (MANE Select); coding-DNA position 265, A replaced by G.
Protein change: p.Ile89Val; replaces isoleucine 89 with valine.
Molecular consequence: missense variant. On other transcripts: intron variant (1).
Genome position (GRCh38, 1-based): chr14:49,674,408, T>C on the plus strand (A>G on the coding strand, the complement: POLE2 is on the minus strand). VCF-style: chr14-49674408-T-C. GRCh37 (hg19) VCF-style: chr14-50141126-T-C.
Other names: c.265A>G, p.Ile89Val (NM_001197331.3, NM_001348384.2); c.34A>G, p.Ile12Val (NM_001348385.2); c.246-192A>G (NM_001197330.2); short protein forms I89V, I12V.
Identifiers: ClinVar variation 1387967 (VCV001387967.8), dbSNP rs778324639, ClinGen allele CA7173675.